The following is an entry in ClinVar:

ClinVar aggregate classification (germline): Likely benign (1 of 4 stars; one submission).

Allele frequency attached by ClinVar (database versions not stated): 1000 Genomes Project 0.00160; 1000 Genomes Project 30x 0.00172; gnomAD 0.00320; ESP Exome Variant Server 0.00336; ExAC 0.00398; gnomAD exomes 0.00471.
gnomAD v4.1: 7,355 of 1,589,568 alleles (0.46%); highest among the groups gnomAD compares: Non-Finnish European, 0.56%; 36 homozygotes.

Submission:

CeGaT Center for Human Genetics Tuebingen
Classification: Likely benign. Last evaluated: 2023-05-01. Review status: criteria provided, single submitter. Criteria: CeGaT Center For Human Genetics Tuebingen Variant Classification Criteria Version 2. Collection method: clinical testing. Allele origin: germline. Affected: yes. Observed: 1 variant allele.
Comment: TNFRSF18: BP4, BS2

NM_004195.3(TNFRSF18):c.*8C>T

Gene: TNFRSF18 (TNF receptor superfamily member 18; minus strand). Cytogenetic location: 1p36.33.
Variant type: single nucleotide variant.
Coding change: c.*8C>T on transcript NM_004195.3 (MANE Select); 8 bases downstream of the stop codon, C replaced by T.
Molecular consequence: 3 prime UTR variant. On other transcripts: missense variant (1).
Genome position (GRCh38, 1-based): chr1:1,203,836, G>A on the plus strand (C>T on the coding strand, the complement: TNFRSF18 is on the minus strand). VCF-style: chr1-1203836-G-A. GRCh37 (hg19) VCF-style: chr1-1139216-G-A.
Other names: c.523C>T, p.Arg175Cys (NM_148901.2); c.*8C>T (NM_148902.2); short protein forms R175C.
Identifiers: ClinVar variation 2637988 (VCV002637988.24), dbSNP rs11466695, ClinGen allele CA512027.